The following is an entry in ClinVar:

NM_014232.3(VAMP2):c.217G>T (p.Gly73Trp)

Gene: VAMP2 (vesicle associated membrane protein 2; minus strand). Cytogenetic location: 17p13.1.
Variant type: single nucleotide variant.
Coding change: c.217G>T on transcript NM_014232.3 (MANE Select); coding-DNA position 217, G replaced by T.
Protein change: p.Gly73Trp; replaces glycine 73 with tryptophan.
Molecular consequence: missense variant.
Genome position (GRCh38, 1-based): chr17:8,161,673, C>A on the plus strand (G>T on the coding strand, the complement: VAMP2 is on the minus strand). VCF-style: chr17-8161673-C-A. GRCh37 (hg19) VCF-style: chr17-8064991-C-A.
Other names: c.223G>T, p.Gly75Trp (NM_001330125.1); short protein forms G73W, G75W.
Identifiers: ClinVar variation 929461 (VCV000929461.1), dbSNP rs1983317112, ClinGen allele CA397965415.

ClinVar aggregate classification (germline): Likely pathogenic (1 of 4 stars; one submission).

Submission:

GeneDx
Classification: Likely pathogenic. Last evaluated: 2020-06-18. Review status: criteria provided, single submitter. Criteria: GeneDx Variant Classification (06012015). Collection method: clinical testing. Allele origin: germline. Affected: yes.
Comment: Observed as a de novo variant in internal GeneDx whole exome sequencing data in association with intellectual disability and seizures. In silico analysis supports that this missense variant has a deleterious effect on protein structure/function. Not observed in large population cohorts (Lek et al., 2016).M issense variants in nearby residues reported in the literature in individuals with a neurodevelopmental disorder with autistic features and hypotonia (Salpietro et al., 2019). We interpret G73W as a pathogenic variant.